The following is an entry in ClinVar:

NM_003924.4(PHOX2B):c.814G>A (p.Gly272Ser)

Gene: PHOX2B (paired like homeobox 2B; minus strand). Cytogenetic location: 4p13.
Variant type: single nucleotide variant.
Coding change: c.814G>A on transcript NM_003924.4 (MANE Select); coding-DNA position 814, G replaced by A.
Protein change: p.Gly272Ser; replaces glycine 272 with serine.
Molecular consequence: missense variant.
Genome position (GRCh38, 1-based): chr4:41,745,938, C>T on the plus strand (G>A on the coding strand, the complement: PHOX2B is on the minus strand). VCF-style: chr4-41745938-C-T. GRCh37 (hg19) VCF-style: chr4-41747955-C-T.
Other names: short protein forms G272S.
Identifiers: ClinVar variation 467750 (VCV000467750.13), dbSNP rs1232625512, ClinGen allele CA356737090.

ClinVar aggregate classification (germline): Uncertain significance. Review status: criteria provided, multiple submitters, no conflicts (2 of 4 stars). 2 submissions from 2 submitters: Uncertain significance (2). Last evaluated 2025-09-23.

Conditions:
Hereditary cancer-predisposing syndrome. Also called: Neoplastic Syndromes, Hereditary; Tumor predisposition; Hereditary Cancer Syndrome; Hereditary neoplastic syndrome. Identifiers: Orphanet 140162, MedGen C0027672, MeSH D009386, MONDO:0015356.
Haddad syndrome (OHD). Also called: Ondine-Hirschsprung disease. Identifiers: Orphanet 99803, MedGen C1859049, MONDO:0020493.

Allele frequency attached by ClinVar (database versions not stated): gnomAD 0.00001.

Submissions (2):

Ambry Genetics
Classification: Uncertain significance for Hereditary cancer-predisposing syndrome. Last evaluated: 2025-09-23. Review status: criteria provided, single submitter. Criteria: Ambry Variant Classification Scheme 2023. Collection method: clinical testing. Allele origin: germline.
Comment: The p.G272S variant (also known as c.814G>A), located in coding exon 3 of the PHOX2B gene, results from a G to A substitution at nucleotide position 814. The glycine at codon 272 is replaced by serine, an amino acid with similar properties. This amino acid position is highly conserved in available vertebrate species. In addition, the in silico prediction for this alteration is inconclusive. Since supporting evidence is limited at this time, the clinical significance of this alteration remains unclear.

Labcorp Genetics (formerly Invitae), Labcorp
Classification: Uncertain significance for Haddad syndrome. Last evaluated: 2024-05-06. Review status: criteria provided, single submitter. Criteria: Invitae Variant Classification Sherloc (09022015). Collection method: clinical testing. Allele origin: germline.
Comment: This sequence change replaces glycine, which is neutral and non-polar, with serine, which is neutral and polar, at codon 272 of the PHOX2B protein (p.Gly272Ser). This variant is not present in population databases (gnomAD no frequency). This variant has not been reported in the literature in individuals affected with PHOX2B-related conditions. ClinVar contains an entry for this variant (Variation ID: 467750). Experimental studies and prediction algorithms are not available or were not evaluated, and the functional significance of this variant is currently unknown. In summary, the available evidence is currently insufficient to determine the role of this variant in disease. Therefore, it has been classified as a Variant of Uncertain Significance.